The following is an entry in ClinVar:

ClinVar aggregate classification (germline): Conflicting classifications of pathogenicity. Review status: criteria provided, conflicting classifications (1 of 4 stars). 3 submissions from 3 submitters: Likely pathogenic (1); Uncertain significance (2). Last evaluated 2024-09-20.

Conditions:
Retinal disorder. Also called: Retinopathy; Retinopathies; Retinal Diseases; Retinal disorders. Identifiers: MedGen C0035309, MONDO:0005283, HP:0000488.

Submissions (3):

Women's Health and Genetics/Laboratory Corporation of America, LabCorp
Classification: Uncertain significance. Last evaluated: 2024-09-20. Review status: criteria provided, single submitter. Criteria: LabCorp Variant Classification Summary - May 2015. Collection method: clinical testing. Allele origin: germline.
Comment: Variant summary: TULP1 c.1064A>T (p.Asp355Val) results in a non-conservative amino acid change located in the Tubby, C-terminal domain (IPR000007) of the encoded protein sequence. Five of five in-silico tools predict a damaging effect of the variant on protein function. The variant was absent in 251474 control chromosomes (gnomAD). The available data on variant occurrences in the general population are insufficient to allow any conclusion about variant significance. c.1064A>T has been reported in the literature in at least one compound heterozygous individual affected with Leber Congenital Amaurosis (Wang_2013, Chen_2018). These data do not allow any conclusion about variant significance. To our knowledge, no experimental evidence demonstrating an impact on protein function has been reported. The following publications have been ascertained in the context of this evaluation (PMID: 29843741, 23847139). ClinVar contains an entry for this variant (Variation ID: 2136380). Based on the evidence outlined above, the variant was classified as uncertain significance.

AURAGEN, Plan France Médecine Génomique
Classification: Likely pathogenic for Retinal disorder. Last evaluated: 2022-06-13. Review status: criteria provided, single submitter. Criteria: PFMG2025 (Lancet Reg Health Eur. 2025). Collection method: clinical testing. Allele origin: germline. Affected: yes.

Labcorp Genetics (formerly Invitae), Labcorp
Classification: Uncertain significance. Last evaluated: 2022-05-13. Review status: criteria provided, single submitter. Criteria: Invitae Variant Classification Sherloc (09022015). Collection method: clinical testing. Allele origin: germline.
Comment: This sequence change replaces aspartic acid, which is acidic and polar, with valine, which is neutral and non-polar, at codon 355 of the TULP1 protein (p.Asp355Val). This variant is not present in population databases (gnomAD no frequency). This missense change has been observed in individual(s) with Leber congenital amaurosis (PMID: 23847139). Algorithms developed to predict the effect of missense changes on protein structure and function are either unavailable or do not agree on the potential impact of this missense change (SIFT: "Not Available"; PolyPhen-2: "Probably Damaging"; Align-GVGD: "Not Available"). This variant disrupts the p.Asp355 amino acid residue in TULP1. Other variant(s) that disrupt this residue have been observed in individuals with TULP1-related conditions (PMID: 33576794), which suggests that this may be a clinically significant amino acid residue. In summary, the available evidence is currently insufficient to determine the role of this variant in disease. Therefore, it has been classified as a Variant of Uncertain Significance.

Literature cited by the submitters: PubMed 23847139 (cited by Women's Health and Genetics/Laboratory Corporation of America, LabCorp and Labcorp Genetics (formerly Invitae), Labcorp); PubMed 29843741 (cited by Women's Health and Genetics/Laboratory Corporation of America, LabCorp); PubMed 33576794 (cited by Labcorp Genetics (formerly Invitae), Labcorp).

NM_003322.6(TULP1):c.1064A>T (p.Asp355Val)

Gene: TULP1 (TUB like protein 1; minus strand). Cytogenetic location: 6p21.31.
Variant type: single nucleotide variant.
Coding change: c.1064A>T on transcript NM_003322.6 (MANE Select); coding-DNA position 1064, A replaced by T.
Protein change: p.Asp355Val; replaces aspartic acid 355 with valine.
Molecular consequence: missense variant.
Genome position (GRCh38, 1-based): chr6:35,505,789, T>A on the plus strand (A>T on the coding strand, the complement: TULP1 is on the minus strand). VCF-style: chr6-35505789-T-A. GRCh37 (hg19) VCF-style: chr6-35473566-T-A.
Other names: c.905A>T, p.Asp302Val (NM_001289395.2); short protein forms D302V, D355V.
Identifiers: ClinVar variation 2136380 (VCV002136380.6), dbSNP rs1761068088, ClinGen allele CA363779715.